The following is an entry in ClinVar:

ClinVar aggregate classification (germline): Uncertain significance (1 of 4 stars; one submission).

Conditions:
Inborn genetic diseases. Identifiers: MedGen C0950123, MeSH D030342.

gnomAD v4.1: 1 of 1,613,228 alleles (0.000062%); highest among the groups gnomAD compares: Non-Finnish European, 0.000085%; no homozygotes.

Submission:

Ambry Genetics
Classification: Uncertain significance for Inborn genetic diseases. Last evaluated: 2026-05-15. Review status: criteria provided, single submitter. Criteria: Ambry Variant Classification Scheme 2023. Collection method: clinical testing. Allele origin: germline.
Comment: The p.Y806H variant (also known as c.2416T>C), located in coding exon 19 of the BUB1B gene, results from a T to C substitution at nucleotide position 2416. The tyrosine at codon 806 is replaced by histidine, an amino acid with similar properties. This amino acid position is conserved. In addition, the in silico prediction for this alteration is inconclusive. Based on the available evidence, the clinical significance of this variant remains unclear.

NM_001211.6(BUB1B):c.2416T>C (p.Tyr806His)

Gene: BUB1B (BUB1 mitotic checkpoint serine/threonine kinase B; plus strand). Cytogenetic location: 15q15.1.
Variant type: single nucleotide variant.
Coding change: c.2416T>C on transcript NM_001211.6 (MANE Select); coding-DNA position 2416, T replaced by C.
Protein change: p.Tyr806His; replaces tyrosine 806 with histidine.
Molecular consequence: missense variant.
Genome position (GRCh38, 1-based): chr15:40,212,529, T>C. VCF-style: chr15-40212529-T-C. GRCh37 (hg19) VCF-style: chr15-40504730-T-C.
Other names: short protein forms Y806H.
Identifiers: ClinVar variation 4867969 (VCV004867969.1).
Genomic context (GRCh38, chr15:40,212,529, plus strand): 5'-AACTTATTTTTAAAATACAATGTCTTACAGGTATCTTCTCAACCTGTCCCATGGGACTTT[T>C]ATATCAACCTCAAGTTAAAGGAACGTTTAAATGAAGATTTTGATCATTTTTGCAGCTGTT-3'
Protein context (NP_001202.5, residues 796-816): VSSQPVPWDF[Tyr806His]INLKLKERLN